The following is an entry in ClinVar:

NM_025137.4(SPG11):c.545A>T (p.Asp182Val)

Gene: SPG11 (SPG11 vesicle trafficking associated, spatacsin; minus strand). Cytogenetic location: 15q21.1.
Variant type: single nucleotide variant.
Coding change: c.545A>T on transcript NM_025137.4 (MANE Select); coding-DNA position 545, A replaced by T.
Protein change: p.Asp182Val; replaces aspartic acid 182 with valine.
Molecular consequence: missense variant.
Genome position (GRCh38, 1-based): chr15:44,659,201, T>A on the plus strand (A>T on the coding strand, the complement: SPG11 is on the minus strand). VCF-style: chr15-44659201-T-A. GRCh37 (hg19) VCF-style: chr15-44951399-T-A.
Other names: c.545A>T, p.Asp182Val (NM_001160227.2, NM_001411132.1); short protein forms D182V.
Identifiers: ClinVar variation 2157659 (VCV002157659.1), dbSNP rs143636318, ClinGen allele CA7535798.

ClinVar aggregate classification (germline): Uncertain significance (1 of 4 stars; one submission).

Conditions:
Hereditary spastic paraplegia 11. Also called: Spastic paraplegia, mental retardation and thin corpus callosum; Nakamura Osame syndrome; Autosomal recessive hereditary spastic paraplegia, mental impairment, and thin corpus callosum; SPASTIC PARAPLEGIA, AUTOSOMAL RECESSIVE, COMPLICATED, WITH THIN CORPUS CALLOSUM; SPASTIC PARAPLEGIA, AUTOSOMAL RECESSIVE, WITH MENTAL IMPAIRMENT AND THIN CORPUS CALLOSUM; Spastic Paraplegia 11. Identifiers: Orphanet 2822, MedGen C1858479, MONDO:0011445, OMIM 604360.

Allele frequency attached by ClinVar (database versions not stated): ESP Exome Variant Server 0.00015.
gnomAD v4.1: 8 of 1,614,082 alleles (0.0005%); highest among the groups gnomAD compares: South Asian, 0.0011%; no homozygotes.

Submission:

Labcorp Genetics (formerly Invitae), Labcorp
Classification: Uncertain significance for Hereditary spastic paraplegia 11. Last evaluated: 2022-03-19. Review status: criteria provided, single submitter. Criteria: Invitae Variant Classification Sherloc (09022015). Collection method: clinical testing. Allele origin: germline.
Comment: This sequence change replaces aspartic acid, which is acidic and polar, with valine, which is neutral and non-polar, at codon 182 of the SPG11 protein (p.Asp182Val). This variant is present in population databases (rs143636318, gnomAD 0.003%). This variant has not been reported in the literature in individuals affected with SPG11-related conditions. Algorithms developed to predict the effect of missense changes on protein structure and function are either unavailable or do not agree on the potential impact of this missense change (SIFT: "Tolerated"; PolyPhen-2: "Possibly Damaging"; Align-GVGD: "Class C0"). In summary, the available evidence is currently insufficient to determine the role of this variant in disease. Therefore, it has been classified as a Variant of Uncertain Significance.